The following is an entry in ClinVar:

ClinVar aggregate classification (germline): Uncertain significance (1 of 4 stars; one submission).

Conditions:
Centromeric instability of chromosomes 1,9 and 16 and immunodeficiency (ICF1). Also called: CENTROMERIC INSTABILITY, IMMUNODEFICIENCY SYNDROME; IMMUNE DEFICIENCY, VARIABLE, WITH CENTROMERIC INSTABILITY OF CHROMOSOMES 1, 9, AND 16; IMMUNODEFICIENCY SYNDROME, VARIABLE; Immunodeficiency-centromeric instability-facial anomalies. Identifiers: Orphanet 2268, MedGen C0398788, MONDO:0000133.

Submission:

Labcorp Genetics (formerly Invitae), Labcorp
Classification: Uncertain significance for Centromeric instability of chromosomes 1,9 and 16 and immunodeficiency. Last evaluated: 2022-05-29. Review status: criteria provided, single submitter. Criteria: Invitae Variant Classification Sherloc (09022015). Collection method: clinical testing. Allele origin: germline.
Comment: This sequence change replaces alanine, which is neutral and non-polar, with valine, which is neutral and non-polar, at codon 425 of the DNMT3B protein (p.Ala425Val). This variant is not present in population databases (gnomAD no frequency). This variant has not been reported in the literature in individuals affected with DNMT3B-related conditions. Algorithms developed to predict the effect of missense changes on protein structure and function are either unavailable or do not agree on the potential impact of this missense change (SIFT: "Deleterious"; PolyPhen-2: "Benign"; Align-GVGD: "Class C0"). In summary, the available evidence is currently insufficient to determine the role of this variant in disease. Therefore, it has been classified as a Variant of Uncertain Significance.

NM_006892.4(DNMT3B):c.1274C>T (p.Ala425Val)

Gene: DNMT3B (DNA methyltransferase 3 beta; plus strand). Cytogenetic location: 20q11.21.
Variant type: single nucleotide variant.
Coding change: c.1274C>T on transcript NM_006892.4 (MANE Select); coding-DNA position 1274, C replaced by T.
Protein change: p.Ala425Val; replaces alanine 425 with valine.
Molecular consequence: missense variant.
Genome position (GRCh38, 1-based): chr20:32,795,671, C>T. VCF-style: chr20-32795671-C-T. GRCh37 (hg19) VCF-style: chr20-31383477-C-T.
Other names: c.1088C>T, p.Ala363Val (NM_001207055.2); c.986C>T, p.Ala329Val (NM_001207056.2); c.1214C>T, p.Ala405Val (NM_175848.2, NM_175849.2); c.1250C>T, p.Ala417Val (NM_175850.3); short protein forms A405V, A417V, A329V, A363V, A425V.
Identifiers: ClinVar variation 2090101 (VCV002090101.4), dbSNP rs2515596796, ClinGen allele CA408585428.